The following is an entry in ClinVar:

ClinVar aggregate classification (germline): Uncertain significance (1 of 4 stars; one submission).

gnomAD v4.1: 13 of 1,445,796 alleles (0.0009%); highest among the groups gnomAD compares: South Asian, 0.0094%; no homozygotes.

Submission:

Dasa
Classification: Uncertain significance. Last evaluated: 2026-01-05. Review status: criteria provided, single submitter. Criteria: DASA Assertion Criteria. Collection method: clinical testing. Allele origin: germline.
Comment: NM_004525.3(LRP2):c.1773-50A>G is an intronic variant. This variant is rare in population databases. The currently available literature and clinical evidence are not sufficient to establish a definitive association between this variant and the reported condition. Therefore, this variant is classified as a variant of uncertain significance.

NM_004525.3(LRP2):c.1773-50A>G

Gene: LRP2 (LDL receptor related protein 2; minus strand). Cytogenetic location: 2q31.1.
Variant type: single nucleotide variant.
Coding change: c.1773-50A>G on transcript NM_004525.3 (MANE Select); 50 bases into the intron before coding-DNA position 1773, A replaced by G.
Molecular consequence: intron variant.
Genome position (GRCh38, 1-based): chr2:169,275,288, T>C on the plus strand (A>G on the coding strand, the complement: LRP2 is on the minus strand). VCF-style: chr2-169275288-T-C. GRCh37 (hg19) VCF-style: chr2-170131798-T-C.
Identifiers: ClinVar variation 4885285 (VCV004885285.2).